The following is an entry in ClinVar:

Conditions:
Long QT syndrome 5 (LQT5). Identifiers: Orphanet 101016, Orphanet 768, MedGen C1867904, MONDO:0013372, OMIM 613695.

Submission:

Roden Lab, Vanderbilt University Medical Center
No classification provided (evidence only). Condition: Long QT syndrome 5. Review status: no classification provided. Collection method: in vitro. Allele origin: not applicable. Functional consequence: Effect on ion channel function.
ClinVar note: "not provided" was previously submitted as the classification for the variant. However, the classification appeared to be based only on an observation of functional data so it was converted to no classification on 2025-07-30.

NM_000219.6(KCNE1):c.150A>C (p.Val50=)

Gene: KCNE1 (potassium voltage-gated channel subfamily E regulatory subunit 1; minus strand). Cytogenetic location: 21q22.12.
Variant type: single nucleotide variant.
Coding change: c.150A>C on transcript NM_000219.6 (MANE Select); coding-DNA position 150, A replaced by C.
Protein change: p.Val50=; no amino-acid change (valine 50 retained).
Molecular consequence: synonymous variant.
Genome position (GRCh38, 1-based): chr21:34,449,485, T>G on the plus strand (A>C on the coding strand, the complement: KCNE1 is on the minus strand). VCF-style: chr21-34449485-T-G. GRCh37 (hg19) VCF-style: chr21-35821783-T-G.
Other names: c.150A>C, p.Val50= (NM_001127668.4, NM_001127669.4, NM_001127670.4 and 4 more transcripts).
Identifiers: ClinVar variation 3374176 (VCV003374176.2).
Genomic context (GRCh38, chr21:34,449,485, plus strand): 5'-CTTCTTGGAGCGGATGTAGCTCAGCATGATGCCCAGGGTGAAGAAGCCGAAGAATCCCAG[T>G]ACCATGAGGACGTAGAGGGCCTCCAGCTTGCCGTCACTGCTGCGGGGGGACCTGCGGGCC-3'
Protein context (NP_000210.2, residues 40-60): GKLEALYVLM[Val50=]LGFFGFFTLG